The following is an entry in ClinVar:

ClinVar aggregate classification (germline): Pathogenic. Review status: criteria provided, multiple submitters, no conflicts (2 of 4 stars). 12 submissions from 12 submitters: Pathogenic (8). 4 of the submissions do not count toward it. Last evaluated 2026-08-03.

Conditions:
Connective tissue disorder. Also called: Connective tissue disease. Identifiers: MedGen C0009782, MONDO:0003900.
Abnormal heart morphology. Also called: Abnormality of cardiac morphology; Heart, malformation of. Identifiers: MedGen C0018798, MeSH D006330, HP:0001627.
Micrognathia. Also called: Mandibular hypoplasia. Identifiers: MedGen C0025990, HP:0000347.
Stickler syndrome type 1 (STL1). Also called: ARTHROOPHTHALMOPATHY, HEREDITARY PROGRESSIVE; STICKLER SYNDROME, MEMBRANOUS VITREOUS TYPE; STICKLER SYNDROME, VITREOUS TYPE 1; COL2A1-Related Stickler Syndrome. Identifiers: Orphanet 828, Orphanet 90653, MedGen C2020284, MONDO:0007160, OMIM 108300.
Stickler syndrome. Identifiers: Orphanet 828, MedGen C0265253, MONDO:0019354.
COL2A1-related disorder. Also called: COL2A1-related condition; COL2A1-related disorders.

Allele frequency attached by ClinVar (database versions not stated): gnomAD exomes below 0.00001.

Submissions (12):

Cambridge Genomics Laboratory, East Genomic Laboratory Hub, NHS Genomic Medicine Service
Classification: Pathogenic for Stickler syndrome. Last evaluated: 2026-08-03. Review status: criteria provided, single submitter. Criteria: ACGS Best Practice Guidelines for Variant Classification in Rare Disease 2020. Collection method: clinical testing. Allele origin: germline. Affected: yes.
Comment: PVS1,PS4_Moderate,PM2

Labcorp Genetics (formerly Invitae), Labcorp
Classification: Pathogenic. Last evaluated: 2025-11-24. Review status: criteria provided, single submitter. Criteria: Invitae Variant Classification Sherloc (09022015). Collection method: clinical testing. Allele origin: germline.
Comment: This sequence change creates a premature translational stop signal (p.Arg533*) in the COL2A1 gene. It is expected to result in an absent or disrupted protein product. Loss-of-function variants in COL2A1 are known to be pathogenic (PMID: 20179744). The frequency data for this variant in the population databases is considered unreliable, as metrics indicate poor data quality at this position in the gnomAD database. This premature translational stop signal has been observed in individuals with Stickler syndrome or early onset high myopia (PMID: 12544472, 22496037, 26747767). ClinVar contains an entry for this variant (Variation ID: 426404). For these reasons, this variant has been classified as Pathogenic.

3billion
Classification: Pathogenic for Stickler syndrome type 1. Last evaluated: 2025-09-25. Review status: criteria provided, single submitter. Criteria: ACMG Guidelines, 2015. Collection method: clinical testing. Allele origin: germline. Affected: yes.
Comment: The variant is observed at an extremely low frequency in the gnomAD v4.1.0 dataset (total allele frequency: <0.001%). Predicted Consequence/Location: Stop-gained (nonsense): predicted to result in a loss or disruption of normal protein function through nonsense-mediated decay (NMD) or protein truncation. Multiple pathogenic variants are reported downstream of the variant. The variant has been reported at least twice as pathogenic with clinical assertions and evidence for the classification (ClinVar ID: VCV000426404 /PMID: 12544472). Therefore, this variant is classified as Pathogenic according to the recommendation of ACMG/AMP guideline.

GeneDx
Classification: Pathogenic. Last evaluated: 2024-09-17. Review status: criteria provided, single submitter. Criteria: GeneDx Variant Classification Process June 2021. Collection method: clinical testing. Allele origin: germline. Affected: yes.
Comment: Nonsense variant predicted to result in protein truncation or nonsense mediated decay in a gene for which loss of function is a known mechanism of disease; This variant is associated with the following publications: (PMID: 38073514, 12544472, 26443184, 16152640, 20179744, 26747767, 32427345, 20513134, 34611315, 22496037)

Institute of Medical Genetics and Applied Genomics, University Hospital Tübingen
Classification: Pathogenic for Stickler syndrome type 1. Last evaluated: 2023-12-12. Review status: criteria provided, single submitter. Criteria: ACMG Guidelines, 2015. Collection method: clinical testing. Allele origin: germline. Inheritance: Autosomal dominant inheritance. Affected: yes.

Blueprint Genetics
Classification: Pathogenic for COL2A1-related disorders. Last evaluated: 2023-08-03. Review status: criteria provided, single submitter. Criteria: ACMG Guidelines, 2015. Collection method: clinical testing. Allele origin: germline. Affected: yes. Observed: 5 variant alleles.

Center of Medical Genetics, Central South University
Classification: Pathogenic for Stickler syndrome type 1. Last evaluated: 2022-07-01. Review status: criteria provided, single submitter. Criteria: ACMG Guidelines, 2015. Collection method: research, in vitro. Allele origin: inherited, not applicable. Affected: yes. Observed: 12 variant alleles. Clinical features observed: High myopia, vitreoretinal degeneration, cataract, midfacial hypoplasia, sensorineural hearing loss.

Genome Diagnostics Laboratory, The Hospital for Sick Children
Classification: Pathogenic for Connective tissue disorder. Last evaluated: 2019-12-12. Review status: criteria provided, single submitter. Criteria: ACMG Guidelines, 2015. Collection method: clinical testing. Allele origin: germline.

Department of Genetics, Beijing BioBiggen Technology Co., Ltd.
Classification: Pathogenic for Micrognathia; Abnormal heart morphology. Last evaluated: 2022-06-29. Review status: no assertion criteria provided. Collection method: research. Allele origin: germline. Affected: yes. Not counted in ClinVar's aggregate classification.

Institute Of Reproduction And Development, Obstetrics and Gynecology Hospital, Fudan University
Classification: Pathogenic. Last evaluated: 2021-07-06. Review status: no assertion criteria provided. Collection method: research. Allele origin: germline. Affected: yes. Not counted in ClinVar's aggregate classification.

Clinical Genetics DNA and cytogenetics Diagnostics Lab, Erasmus MC, Erasmus Medical Center
Classification: Pathogenic. Review status: no assertion criteria provided. Collection method: clinical testing. Allele origin: germline. Affected: yes. Study: VKGL Data-share Consensus. Not counted in ClinVar's aggregate classification.

Joint Genome Diagnostic Labs from Nijmegen and Maastricht, Radboudumc and MUMC+
Classification: Pathogenic. Review status: no assertion criteria provided. Collection method: clinical testing. Allele origin: germline. Affected: yes. Study: VKGL Data-share Consensus. Not counted in ClinVar's aggregate classification.

Literature cited by the submitters: PubMed 20179744 (cited by Labcorp Genetics (formerly Invitae), Labcorp); PubMed 12544472 (cited by Labcorp Genetics (formerly Invitae), Labcorp and 3billion); PubMed 22496037 (cited by Labcorp Genetics (formerly Invitae), Labcorp); PubMed 26747767 (cited by Labcorp Genetics (formerly Invitae), Labcorp).

NM_001844.5(COL2A1):c.1597C>T (p.Arg533Ter)

Gene: COL2A1 (collagen type II alpha 1 chain; minus strand). Cytogenetic location: 12q13.11.
Variant type: single nucleotide variant.
Coding change: c.1597C>T on transcript NM_001844.5 (MANE Select); coding-DNA position 1597, C replaced by T.
Protein change: p.Arg533Ter; replaces arginine 533 with a stop codon.
Molecular consequence: nonsense.
Genome position (GRCh38, 1-based): chr12:47,985,811, G>A on the plus strand (C>T on the coding strand, the complement: COL2A1 is on the minus strand). VCF-style: chr12-47985811-G-A. GRCh37 (hg19) VCF-style: chr12-48379594-G-A.
Other names: c.1390C>T, p.Arg464Ter (NM_033150.3); short protein forms R533*, R464*.
Identifiers: ClinVar variation 426404 (VCV000426404.26), dbSNP rs1085307608, ClinGen allele CA384551753.